The following is an entry in ClinVar:

NM_001161352.2(KCNMA1):c.1672T>C (p.Phe558Leu)

Gene: KCNMA1 (potassium calcium-activated channel subfamily M alpha 1; minus strand). Cytogenetic location: 10q22.3.
Variant type: single nucleotide variant.
Coding change: c.1672T>C on transcript NM_001161352.2 (MANE Select); coding-DNA position 1672, T replaced by C.
Protein change: p.Phe558Leu; replaces phenylalanine 558 with leucine.
Molecular consequence: missense variant.
Genome position (GRCh38, 1-based): chr10:77,073,174, A>G on the plus strand (T>C on the coding strand, the complement: KCNMA1 is on the minus strand). VCF-style: chr10-77073174-A-G. GRCh37 (hg19) VCF-style: chr10-78832932-A-G.
Other names: c.1672T>C, p.Phe558Leu (NM_001014797.3, NM_001161353.2, NM_001271519.2 and 9 more transcripts); c.1510T>C, p.Phe504Leu (NM_001271518.2); c.1132T>C, p.Phe378Leu (NM_001322838.2); c.1804T>C, p.Phe602Leu (NM_001437422.1); short protein forms F504L, F602L, F378L, F558L.
Identifiers: ClinVar variation 5009783 (VCV005009783.1).

ClinVar aggregate classification (germline): Uncertain significance (1 of 4 stars; one submission).

Submission:

GeneDx
Classification: Uncertain significance. Last evaluated: 2026-02-19. Review status: criteria provided, single submitter. Criteria: GeneDx Variant Classification Process June 2021. Collection method: clinical testing. Allele origin: germline.
Comment: Not observed at significant frequency in large population cohorts (gnomAD); In silico analysis supports that this missense variant has a deleterious effect on protein structure/function; Has not been previously published as pathogenic or benign to our knowledge